The following is an entry in ClinVar:

ClinVar aggregate classification (germline): Pathogenic (1 of 4 stars; one submission).

Conditions:
Polycystic kidney disease, adult type (PKD1). Also called: Polycystic Kidney, Autosomal Dominant; POLYCYSTIC KIDNEY DISEASE, ADULT, TYPE I; Polycystic Kidney Disease 1, Autosomal Dominant; Polycystic kidney disease 1; Polycystic kidney disease 1, severe; POLYCYSTIC KIDNEY DISEASE 1 WITH OR WITHOUT POLYCYSTIC LIVER DISEASE. Identifiers: MedGen C3149841, MONDO:0008263, OMIM 173900.

Submission:

Women's Health and Genetics/Laboratory Corporation of America, LabCorp
Classification: Pathogenic for Polycystic kidney disease, adult type. Last evaluated: 2025-07-23. Review status: criteria provided, single submitter. Criteria: LabCorp Variant Classification Summary - May 2015. Collection method: clinical testing. Allele origin: germline.
Comment: Variant summary: PKD1 c.7521delG (p.Leu2508TrpfsX112) results in a premature termination codon, predicted to cause a truncation of the encoded protein or absence of the protein due to nonsense mediated decay, which are commonly known mechanisms for disease. The variant was absent in 240564 control chromosomes. To our knowledge, no occurrence of c.7521delG in individuals affected with Polycystic Kidney Disease 1 and no experimental evidence demonstrating its impact on protein function have been reported. No submitters have cited clinical-significance assessments for this variant to ClinVar. Based on the evidence outlined above, the variant was classified as pathogenic.

NM_001009944.3(PKD1):c.7521del (p.Leu2508fs)

Gene: PKD1 (polycystin 1, transient receptor potential channel interacting; minus strand). Cytogenetic location: 16p13.3.
Variant type: Deletion.
Coding change: c.7521del on transcript NM_001009944.3 (MANE Select); coding-DNA position 7521, one base deleted (G; older notation c.7521delG).
Protein change: p.Leu2508fs; shifts the reading frame from leucine 2508.
Molecular consequence: frameshift variant.
Genome position (GRCh38, 1-based): chr16:2,106,273, C deleted on the plus strand (G on the coding strand, the reverse complement: PKD1 is on the minus strand). VCF-style (leftmost placement, unchanged base first): chr16-2106272-GC-G. GRCh37 (hg19) VCF-style: chr16-2156273-GC-G.
Other names: c.7521del, p.Leu2508fs (NM_000296.4); c.7521delG (NM_001009944.3); short protein forms L2508fs.
Identifiers: ClinVar variation 4526244 (VCV004526244.1).
Genomic context (GRCh38, chr16:2,106,272, plus strand): 5'-AGACACAGAACTCCTCGCAGTGGCCCTGGCGACAGCGCCGCAGCAGCAGGGCGTACACCA[GC>G]GGGGCGCCAGCATCCTCCGCGTCATGCCAGCCTGAGGGACGGTCCCCACGGCATCACGGG-3'